The following is an entry in ClinVar:

NM_025216.3(WNT10A):c.1135C>T (p.Arg379Cys)

Gene: WNT10A (Wnt family member 10A; plus strand). Cytogenetic location: 2q35.
Variant type: single nucleotide variant.
Coding change: c.1135C>T on transcript NM_025216.3 (MANE Select); coding-DNA position 1135, C replaced by T.
Protein change: p.Arg379Cys; replaces arginine 379 with cysteine.
Molecular consequence: missense variant.
Genome position (GRCh38, 1-based): chr2:218,893,152, C>T. VCF-style: chr2-218893152-C-T. GRCh37 (hg19) VCF-style: chr2-219757874-C-T.
Other names: short protein forms R379C.
Identifiers: ClinVar variation 4974479 (VCV004974479.1).

ClinVar aggregate classification (germline): Likely pathogenic (1 of 4 stars; one submission).

Conditions:
Odonto-onycho-dermal dysplasia. Identifiers: Orphanet 2721, MedGen C0796093, MONDO:0009773, OMIM 257980.

gnomAD v4.1: 3 of 1,589,864 alleles (0.00019%); highest among the groups gnomAD compares: African/African-American, 0.0027%; no homozygotes.

Submission:

Lupski Lab, Baylor-Hopkins CMG, Baylor College of Medicine
Classification: Likely pathogenic for Odonto-onycho-dermal dysplasia. Last evaluated: 2026-06-11. Review status: criteria provided, single submitter. Criteria: ACMG Guidelines, 2015. Collection method: research. Allele origin: germline. Inheritance: Autosomal recessive inheritance. Affected: yes. Observed: 2 variant alleles, 2 compound heterozygotes. Clinical features observed: Retinal disorder (HP:0000488), Fine hair (HP:0002213), Brittle hair (HP:0002299), Abnormal toenail morphology (HP:0008388), Abnormal fingernail morphology (HP:0001231), Thin fingernail (HP:0012742), Tooth agenesis (HP:0009804), Small, conical teeth (HP:0200141), Abnormal sweat gland morphology (HP:0000971), Periodic fever (HP:0032323), Decreased circulating IgA concentration (HP:0002720), Concave nasal ridge (HP:0011120), and 6 more.
Comment: This variant is in trans with WNT10A p.(Ile409Argfs*17) in an unrelated individual with Ectodermal Dysplasia 16 (PMID:23401279) (PM3_Moderate= +2pts). This variant has an AlphaMissense score of 0.991 (PP3_Moderate= +2pts). It is very rare in gnomAD with no homozygous alleles reported (PM2_Supporting= +1pt). According to Varsome, 43 out of 50 non-VUS missense variants in WNT10A are pathogenic (PP2_Supporting= +1pt). 6 pts (PM3 +2, PP3 +2, PM2 +1, PP2 +1).

Literature cited by the submitters: PubMed 23401279.